The following is an entry in ClinVar:

NM_020207.7(ERCC6L2):c.3854C>T (p.Ser1285Phe)

Gene: ERCC6L2 (ERCC excision repair 6 like 2; plus strand). Cytogenetic location: 9q22.32.
Variant type: single nucleotide variant.
Coding change: c.3854C>T on transcript NM_020207.7 (MANE Select); coding-DNA position 3854, C replaced by T.
Protein change: p.Ser1285Phe; replaces serine 1285 with phenylalanine.
Molecular consequence: missense variant. On other transcripts: non-coding transcript variant (1), intron variant (2).
Genome position (GRCh38, 1-based): chr9:96,012,404, C>T. VCF-style: chr9-96012404-C-T. GRCh37 (hg19) VCF-style: chr9-98774686-C-T.
Other names: c.3674+7703C>T (NM_001375291.1, NM_001375292.1); short protein forms S1285F.
Identifiers: ClinVar variation 4732249 (VCV004732249.1).

ClinVar aggregate classification (germline): Uncertain significance (1 of 4 stars; one submission).

gnomAD v4.1: 2 of 1,361,096 alleles (0.00015%); highest among the groups gnomAD compares: Non-Finnish European, 0.000098%; no homozygotes.

Submission:

Labcorp Genetics (formerly Invitae), Labcorp
Classification: Uncertain significance. Last evaluated: 2025-12-01. Review status: criteria provided, single submitter. Criteria: Invitae Variant Classification Sherloc (09022015). Collection method: clinical testing. Allele origin: germline.
Comment: This sequence change replaces serine, which is neutral and polar, with phenylalanine, which is neutral and non-polar, at codon 1296 of the ERCC6L2 protein (p.Ser1296Phe). This variant is not present in population databases (gnomAD no frequency). This variant has not been reported in the literature in individuals affected with ERCC6L2-related conditions. Experimental studies and prediction algorithms are not available or were not evaluated, and the functional significance of this variant is currently unknown. In summary, the available evidence is currently insufficient to determine the role of this variant in disease. Therefore, it has been classified as a Variant of Uncertain Significance.